The following is an entry in ClinVar:

NM_178452.6(DNAAF1):c.1906C>T (p.Arg636Ter)

Gene: DNAAF1 (dynein axonemal assembly factor 1; plus strand). Cytogenetic location: 16q24.1.
Variant type: single nucleotide variant.
Coding change: c.1906C>T on transcript NM_178452.6 (MANE Select); coding-DNA position 1906, C replaced by T.
Protein change: p.Arg636Ter; replaces arginine 636 with a stop codon.
Molecular consequence: nonsense.
Genome position (GRCh38, 1-based): chr16:84,176,140, C>T. VCF-style: chr16-84176140-C-T. GRCh37 (hg19) VCF-style: chr16-84209746-C-T.
Other names: c.1198C>T, p.Arg400Ter (NM_001318756.1); short protein forms R636*, R400*.
Identifiers: ClinVar variation 569853 (VCV000569853.10), dbSNP rs748869874, ClinGen allele CA8203055.
Genomic context (GRCh38, chr16:84,176,140, plus strand): 5'-GCGGCTCGGGTGCCCTTCACAGACATCTTTAAAAAAGAAGCTAAGAGGGACTTGGAAATC[C>T]GAAAACAAGACACCAAGTCCCCAAGACCCCTGATCCAGGAGCTCAGCGACGAGGACCCCT-3'

ClinVar aggregate classification (germline): Pathogenic. Review status: criteria provided, multiple submitters, no conflicts (2 of 4 stars). 2 submissions from 2 submitters: Pathogenic (2). Last evaluated 2025-11-25.

Conditions:
Respiratory ciliopathies including non-CF bronchiectasis.
Primary ciliary dyskinesia. Also called: Ciliary dyskinesia. Identifiers: Orphanet 244, MedGen C0008780, MONDO:0016575, HP:0012265.

Allele frequency attached by ClinVar (database versions not stated): gnomAD 0.00001 and 0.00002; TOPMed 0.00003.
gnomAD v4.1: 82 of 1,613,930 alleles (0.0051%); highest among the groups gnomAD compares: Non-Finnish European, 0.0063%; no homozygotes.

Submissions (2):

Labcorp Genetics (formerly Invitae), Labcorp
Classification: Pathogenic for Primary ciliary dyskinesia. Last evaluated: 2025-11-25. Review status: criteria provided, single submitter. Criteria: Invitae Variant Classification Sherloc (09022015). Collection method: clinical testing. Allele origin: germline.
Comment: This sequence change creates a premature translational stop signal (p.Arg636*) in the DNAAF1 gene. It is expected to result in an absent or disrupted protein product. Loss-of-function variants in DNAAF1 are known to be pathogenic (PMID: 19944400, 19944405). This variant is present in population databases (rs748869874, gnomAD 0.01%). This variant has not been reported in the literature in individuals affected with DNAAF1-related conditions. ClinVar contains an entry for this variant (Variation ID: 569853). For these reasons, this variant has been classified as Pathogenic.

NHS Central & South Genomic Laboratory Hub
Classification: Pathogenic for Respiratory ciliopathies including non-CF bronchiectasis. Last evaluated: 2024-11-11. Review status: criteria provided, single submitter. Criteria: ACMG Guidelines, 2015. Collection method: clinical testing. Allele origin: germline. Affected: yes.

Literature cited by the submitters: PubMed 19944400 (cited by Labcorp Genetics (formerly Invitae), Labcorp); PubMed 19944405 (cited by Labcorp Genetics (formerly Invitae), Labcorp).